The following is an entry in ClinVar:

NM_018646.6(TRPV6):c.593A>G (p.Asn198Ser)

Gene: TRPV6 (transient receptor potential cation channel subfamily V member 6; minus strand). Cytogenetic location: 7q34.
Variant type: single nucleotide variant.
Coding change: c.593A>G on transcript NM_018646.6 (MANE Select); coding-DNA position 593, A replaced by G.
Protein change: p.Asn198Ser; replaces asparagine 198 with serine.
Molecular consequence: missense variant.
Genome position (GRCh38, 1-based): chr7:142,877,156, T>C on the plus strand (A>G on the coding strand, the complement: TRPV6 is on the minus strand). VCF-style: chr7-142877156-T-C. GRCh37 (hg19) VCF-style: chr7-142574909-T-C.
Other names: short protein forms N198S.
Identifiers: ClinVar variation 4690559 (VCV004690559.1).

ClinVar aggregate classification (germline): Uncertain significance (1 of 4 stars; one submission).

gnomAD v4.1: 19 of 1,613,990 alleles (0.0012%); highest among the groups gnomAD compares: Middle Eastern, 0.033%; no homozygotes.

Submission:

Labcorp Genetics (formerly Invitae), Labcorp
Classification: Uncertain significance. Last evaluated: 2026-01-28. Review status: criteria provided, single submitter. Criteria: Invitae Variant Classification Sherloc (09022015). Collection method: clinical testing. Allele origin: germline.
Comment: This sequence change replaces asparagine, which is neutral and polar, with serine, which is neutral and polar, at codon 198 of the TRPV6 protein (p.Asn198Ser). This variant is present in population databases (no rsID available, gnomAD 0.0009%). This missense change has been observed in individual(s) with idiopathic chronic pancreatitis (PMID: 34923708). An algorithm developed to predict the effect of missense changes on protein structure and function outputs the following: PolyPhen-2: "Not Available". The serine amino acid residue is found in multiple mammalian species, which suggests that this missense change does not adversely affect protein function. In summary, the available evidence is currently insufficient to determine the role of this variant in disease. Therefore, it has been classified as a Variant of Uncertain Significance.

Literature cited by the submitters: PubMed 34923708.